The following is an entry in ClinVar:

ClinVar aggregate classification (germline): Uncertain significance (1 of 4 stars; one submission).

Conditions:
Hereditary cancer-predisposing syndrome. Also called: Neoplastic Syndromes, Hereditary; Tumor predisposition; Hereditary neoplastic syndrome; Hereditary Cancer Syndrome. Identifiers: Orphanet 140162, MedGen C0027672, MeSH D009386, MONDO:0015356.

Submission:

Ambry Genetics
Classification: Uncertain significance for Hereditary cancer-predisposing syndrome. Last evaluated: 2026-07-07. Review status: criteria provided, single submitter. Criteria: Ambry Variant Classification Scheme 2023. Collection method: clinical testing. Allele origin: germline.
Comment: The p.A9P variant (also known as c.25G>C), located in coding exon 1 of the SUFU gene, results from a G to C substitution at nucleotide position 25. The alanine at codon 9 is replaced by proline, an amino acid with highly similar properties. This amino acid position is conserved. In addition, this alteration is predicted to be tolerated by in silico analysis. Based on the available evidence, the clinical significance of this variant remains unclear.

NM_016169.4(SUFU):c.25G>C (p.Ala9Pro)

Genes: SUFU (SUFU negative regulator of hedgehog signaling; plus strand), LOC130004614 (ATAC-STARR-seq lymphoblastoid silent region 2764; plus strand). Cytogenetic location: 10q24.32.
Variant type: single nucleotide variant.
Coding change: c.25G>C on transcript NM_016169.4 (MANE Select); coding-DNA position 25, G replaced by C.
Protein change: p.Ala9Pro; replaces alanine 9 with proline.
Molecular consequence: missense variant.
Genome position (GRCh38, 1-based): chr10:102,504,177, G>C. VCF-style: chr10-102504177-G-C. GRCh37 (hg19) VCF-style: chr10-104263934-G-C.
Other names: c.25G>C, p.Ala9Pro (NM_001178133.2); short protein forms A9P.
Identifiers: ClinVar variation 5030406 (VCV005030406.1).